The following is an entry in ClinVar:

NM_001378454.1(ALMS1):c.8012C>T (p.Pro2671Leu)

Gene: ALMS1 (ALMS1 centrosome and basal body associated protein; plus strand). Cytogenetic location: 2p13.1.
Variant type: single nucleotide variant.
Coding change: c.8012C>T on transcript NM_001378454.1 (MANE Select); coding-DNA position 8012, C replaced by T.
Protein change: p.Pro2671Leu; replaces proline 2671 with leucine.
Molecular consequence: missense variant.
Genome position (GRCh38, 1-based): chr2:73,489,971, C>T. VCF-style: chr2-73489971-C-T. GRCh37 (hg19) VCF-style: chr2-73717098-C-T.
Other names: c.8015C>T, p.Pro2672Leu (NM_015120.4); short protein forms P2671L, P2672L.
Identifiers: ClinVar variation 1018872 (VCV001018872.15), dbSNP rs996036496, ClinGen allele CA50377826.

ClinVar aggregate classification (germline): Uncertain significance. Review status: criteria provided, multiple submitters, no conflicts (2 of 4 stars). 6 submissions from 6 submitters: Uncertain significance (5). 1 of the submissions does not count toward it. Last evaluated 2023-09-11.

Conditions:
Cardiovascular phenotype. Identifiers: MedGen CN230736.
Alstrom syndrome (ALMS). Identifiers: Orphanet 64, MedGen C0268425, MONDO:0008763, OMIM 203800.

Allele frequency attached by ClinVar (database versions not stated): gnomAD exomes 0.00001 and 0.00002; gnomAD 0.00002; TOPMed 0.00003.
gnomAD v4.1: 35 of 1,614,068 alleles (0.0022%); highest among the groups gnomAD compares: Admixed American, 0.0033%; no homozygotes.

Submissions (6):

Women's Health and Genetics/Laboratory Corporation of America, LabCorp
Classification: Uncertain significance. Last evaluated: 2023-09-11. Review status: criteria provided, single submitter. Criteria: LabCorp Variant Classification Summary - May 2015. Collection method: clinical testing. Allele origin: germline.

Ambry Genetics
Classification: Uncertain significance for Cardiovascular phenotype. Last evaluated: 2023-04-13. Review status: criteria provided, single submitter. Criteria: Ambry Variant Classification Scheme 2023. Collection method: clinical testing. Allele origin: germline.
Comment: The p.P2672L variant (also known as c.8015C>T), located in coding exon 10 of the ALMS1 gene, results from a C to T substitution at nucleotide position 8015. The proline at codon 2672 is replaced by leucine, an amino acid with similar properties. This amino acid position is highly conserved in available vertebrate species. In addition, the in silico prediction for this alteration is inconclusive. Since supporting evidence is limited at this time, the clinical significance of this alteration remains unclear.

Labcorp Genetics (formerly Invitae), Labcorp
Classification: Uncertain significance for Alstrom syndrome. Last evaluated: 2022-10-03. Review status: criteria provided, single submitter. Criteria: Invitae Variant Classification Sherloc (09022015). Collection method: clinical testing. Allele origin: germline.
Comment: This sequence change replaces proline, which is neutral and non-polar, with leucine, which is neutral and non-polar, at codon 2672 of the ALMS1 protein (p.Pro2672Leu). This variant is present in population databases (no rsID available, gnomAD 0.003%). This variant has not been reported in the literature in individuals affected with ALMS1-related conditions. ClinVar contains an entry for this variant (Variation ID: 1018872). In summary, the available evidence is currently insufficient to determine the role of this variant in disease. Therefore, it has been classified as a Variant of Uncertain Significance.

Blueprint Genetics
Classification: Uncertain significance. Last evaluated: 2022-02-25. Review status: criteria provided, single submitter. Criteria: ACMG Guidelines, 2015. Collection method: clinical testing. Allele origin: germline.

Fulgent Genetics
Classification: Uncertain significance for Alstrom syndrome. Last evaluated: 2021-11-17. Review status: criteria provided, single submitter. Criteria: ACMG Guidelines, 2015. Collection method: clinical testing. Allele origin: unknown.

Natera, Inc.
Classification: Uncertain significance for Alstrom syndrome. Last evaluated: 2021-03-15. Review status: no assertion criteria provided. Collection method: clinical testing. Allele origin: germline. Not counted in ClinVar's aggregate classification.